The following is an entry in ClinVar:

ClinVar aggregate classification (germline): Uncertain significance. Review status: criteria provided, multiple submitters, no conflicts (2 of 4 stars). 3 submissions from 3 submitters: Uncertain significance (3). Last evaluated 2026-05-19.

Conditions:
RAI1-related disorder. Also called: RAI1-related condition.

Submissions (3):

Women's Health and Genetics/Laboratory Corporation of America, LabCorp
Classification: Uncertain significance. Last evaluated: 2026-05-19. Review status: criteria provided, single submitter. Criteria: LabCorp Variant Classification Summary - May 2015. Collection method: clinical testing. Allele origin: germline.
Comment: Variant summary: RAI1 c.4905_4910delATCCTC (p.Ser1638_Ser1639del) results in an in-frame deletion that is predicted to remove two amino acids from the encoded protein. The variant was absent in 251168 control chromosomes. The available data on variant occurrences in the general population are insufficient to allow any conclusion about variant significance. To our knowledge, no occurrence of c.4905_4910delATCCTC in individuals affected with RAI1-related conditions and no experimental evidence demonstrating its impact on protein function have been reported. ClinVar contains an entry for this variant (Variation ID: 2045230). Based on the evidence outlined above, the variant was classified as uncertain significance.

Labcorp Genetics (formerly Invitae), Labcorp
Classification: Uncertain significance. Last evaluated: 2024-10-17. Review status: criteria provided, single submitter. Criteria: Invitae Variant Classification Sherloc (09022015). Collection method: clinical testing. Allele origin: germline.
Comment: This variant, c.4905_4910del, results in the deletion of 2 amino acid(s) of the RAI1 protein (p.Ser1638_Ser1639del), but otherwise preserves the integrity of the reading frame. This variant is not present in population databases (gnomAD no frequency). This variant has not been reported in the literature in individuals affected with RAI1-related conditions. ClinVar contains an entry for this variant (Variation ID: 2045230). Experimental studies and prediction algorithms are not available or were not evaluated, and the functional significance of this variant is currently unknown. In summary, the available evidence is currently insufficient to determine the role of this variant in disease. Therefore, it has been classified as a Variant of Uncertain Significance.

PreventionGenetics, part of Exact Sciences
Classification: Uncertain significance for RAI1-related condition. Last evaluated: 2022-11-24. Review status: criteria provided, single submitter. Criteria: ACMG Guidelines, 2015. Collection method: clinical testing. Allele origin: germline.
Comment: The RAI1 c.4905_4910del6 variant is predicted to result in an in-frame deletion (p.Ser1638_Ser1639del). To our knowledge, this variant has not been reported in the literature or in a large population database, indicating this variant is rare. In-frame deletions and duplications in RAI1 are common in the gnomAD database of individuals without severe pediatric diseases, and have not been documented as a cause of disease (Human Gene Mutation Database). Although we suspect that this variant may be benign, at this time, the clinical significance of this variant is uncertain due to the absence of conclusive functional and genetic evidence.

NM_030665.4(RAI1):c.4905_4910del (p.Ser1638_Ser1639del)

Gene: RAI1 (retinoic acid induced 1; plus strand). Cytogenetic location: 17p11.2.
Variant type: Deletion.
Coding change: c.4905_4910del on transcript NM_030665.4 (MANE Select); coding-DNA positions 4905 to 4910, 6 bases deleted (ATCCTC; older notation c.4905_4910delATCCTC).
Protein change: p.Ser1638_Ser1639del.
Molecular consequence: inframe deletion.
Genome position (GRCh38, 1-based): chr17:17,797,853-17,797,858, ATCCTC deleted; deleting any 6 consecutive bases within chr17:17,797,848-17,797,858 gives the same sequence; the c. name uses the placement nearest the transcript's 3' end. VCF-style (leftmost placement, unchanged base first): chr17-17797847-TTCCTCA-T. GRCh37 (hg19) VCF-style: chr17-17701161-TTCCTCA-T.
Other names: c.4905_4910delATCCTC (NM_030665.4).
Identifiers: ClinVar variation 2045230 (VCV002045230.6), dbSNP rs1402461514, ClinGen allele CA726657854.